The following is an entry in ClinVar:

NM_003070.5(SMARCA2):c.2643G>C (p.Gly881=)

Gene: SMARCA2 (SWI/SNF related BAF chromatin remodeling complex subunit ATPase 2; plus strand). Cytogenetic location: 9p24.3.
Variant type: single nucleotide variant.
Coding change: c.2643G>C on transcript NM_003070.5 (MANE Select); coding-DNA position 2643, G replaced by C.
Protein change: p.Gly881=; no amino-acid change (glycine 881 retained).
Molecular consequence: synonymous variant. On other transcripts: intron variant (1).
Genome position (GRCh38, 1-based): chr9:2,086,945, G>C. VCF-style: chr9-2086945-G-C. GRCh37 (hg19) VCF-style: chr9-2086945-G-C.
Other names: c.2643G>C, p.Gly881= (NM_001289396.2, NM_139045.4); c.2595+48G>C (NM_001289397.2).
Identifiers: ClinVar variation 1920459 (VCV001920459.26), dbSNP rs148360213, ClinGen allele CA4963537.

ClinVar aggregate classification (germline): Likely benign. Review status: criteria provided, multiple submitters, no conflicts (2 of 4 stars). 2 submissions from 2 submitters: Likely benign (2). Last evaluated 2023-12-01.

Allele frequency attached by ClinVar (database versions not stated): ExAC 0.00001; gnomAD 0.00002; TOPMed 0.00002; ESP Exome Variant Server 0.00008.
gnomAD v4.1: 5 of 1,613,996 alleles (0.00031%); highest among the groups gnomAD compares: African/African-American, 0.0053%; no homozygotes.

Submissions (2):

CeGaT Center for Human Genetics Tuebingen
Classification: Likely benign. Last evaluated: 2023-12-01. Review status: criteria provided, single submitter. Criteria: CeGaT Center For Human Genetics Tuebingen Variant Classification Criteria Version 2. Collection method: clinical testing. Allele origin: germline. Affected: yes. Observed: 1 variant allele.
Comment: SMARCA2: BP4, BP7

Labcorp Genetics (formerly Invitae), Labcorp
Classification: Likely benign. Last evaluated: 2022-09-15. Review status: criteria provided, single submitter. Criteria: Invitae Variant Classification Sherloc (09022015). Collection method: clinical testing. Allele origin: germline.